The following is an entry in ClinVar:

NM_005051.3(QARS1):c.1667G>A (p.Cys556Tyr)

Gene: QARS1 (glutaminyl-tRNA synthetase 1; minus strand). Cytogenetic location: 3p21.31.
Variant type: single nucleotide variant.
Coding change: c.1667G>A on transcript NM_005051.3 (MANE Select); coding-DNA position 1667, G replaced by A.
Protein change: p.Cys556Tyr; replaces cysteine 556 with tyrosine.
Molecular consequence: missense variant. On other transcripts: non-coding transcript variant (1).
Genome position (GRCh38, 1-based): chr3:49,099,201, C>T on the plus strand (G>A on the coding strand, the complement: QARS1 is on the minus strand). VCF-style: chr3-49099201-C-T. GRCh37 (hg19) VCF-style: chr3-49136634-C-T.
Other names: c.1634G>A, p.Cys545Tyr (NM_001272073.2); short protein forms C556Y, C545Y.
Identifiers: ClinVar variation 1361092 (VCV001361092.8), dbSNP rs879232053, ClinGen allele CA352703963.
Genomic context (GRCh38, chr3:49,099,201, plus strand): 5'-CGTAGTGACTCCAGCACAGCCATGGCTCGTGGGGCTGTGTCATTCAGCACATCACGCACA[C>T]AGGCTTCTAGAAGATGTGGCTCCATTGTGGTTTGTGCCACAGTCACTCCCACCTGGCAGG-3'
Protein context (NP_005042.1, residues 546-566): TTMEPHLLEA[Cys556Tyr]VRDVLNDTAP

ClinVar aggregate classification (germline): Uncertain significance (1 of 4 stars; one submission).

Conditions:
Diffuse cerebral and cerebellar atrophy - intractable seizures - progressive microcephaly syndrome. Also called: Microcephaly, progressive, with seizures and cerebral and cerebellar atrophy. Identifiers: Orphanet 404437, MedGen C4014239, MONDO:0014335, OMIM 615760.

Submission:

Labcorp Genetics (formerly Invitae), Labcorp
Classification: Uncertain significance for Diffuse cerebral and cerebellar atrophy - intractable seizures - progressive microcephaly syndrome. Last evaluated: 2023-07-07. Review status: criteria provided, single submitter. Criteria: Invitae Variant Classification Sherloc (09022015). Collection method: clinical testing. Allele origin: germline.
Comment: ClinVar contains an entry for this variant (Variation ID: 1361092). In summary, the available evidence is currently insufficient to determine the role of this variant in disease. Therefore, it has been classified as a Variant of Uncertain Significance. Advanced modeling of protein sequence and biophysical properties (such as structural, functional, and spatial information, amino acid conservation, physicochemical variation, residue mobility, and thermodynamic stability) has been performed at Invitae for this missense variant, however the output from this modeling did not meet the statistical confidence thresholds required to predict the impact of this variant on QARS protein function. This variant has not been reported in the literature in individuals affected with QARS-related conditions. This variant is not present in population databases (gnomAD no frequency). This sequence change replaces cysteine, which is neutral and slightly polar, with tyrosine, which is neutral and polar, at codon 556 of the QARS protein (p.Cys556Tyr).